The following is an entry in ClinVar:

ClinVar aggregate classification (germline): Likely pathogenic (0 of 4 stars; one submission).

Conditions:
COL1A1-related disorder. Also called: COL1A1- related disease; COL1A1-related condition.

Submission:

PreventionGenetics, part of Exact Sciences
Classification: Likely pathogenic for COL1A1-related condition. Last evaluated: 2024-01-16. Review status: no assertion criteria provided. Collection method: clinical testing. Allele origin: germline.
Comment: The COL1A1 c.4005+1delG variant is predicted to result in a deletion affecting a canonical splice site. To our knowledge, this variant has not been reported in the literature or in a large population database, indicating this variant is rare. Variants that disrupt the consensus splice donor site in COL1A1 are expected to be pathogenic. This variant is interpreted as likely pathogenic.

NM_000088.4(COL1A1):c.4005+1del

Gene: COL1A1 (collagen type I alpha 1 chain; minus strand). Cytogenetic location: 17q21.33.
Variant type: Deletion.
Coding change: c.4005+1del on transcript NM_000088.4 (MANE Select); the canonical splice donor site of the intron after coding-DNA position 4005, one base deleted (G; older notation c.4005+1delG).
Molecular consequence: splice donor variant.
Genome position (GRCh38, 1-based): chr17:50,186,316, C deleted on the plus strand (G on the coding strand, the reverse complement: COL1A1 is on the minus strand); the first of 2 consecutive C bases (chr17:50,186,316-50,186,317); deleting either gives the same sequence. VCF-style (leftmost placement, unchanged base first): chr17-50186315-AC-A. GRCh37 (hg19) VCF-style: chr17-48263676-AC-A.
Identifiers: ClinVar variation 3045768 (VCV003045768.2), dbSNP rs2509159489, ClinGen allele CA2740093776.